The following is an entry in ClinVar:

NM_020937.4(FANCM):c.4516-5_4516-2del

Gene: FANCM (FA complementation group M; plus strand). Cytogenetic location: 14q21.2.
Variant type: Microsatellite.
Coding change: c.4516-5_4516-2del on transcript NM_020937.4 (MANE Select); 5 bases into the intron before coding-DNA position 4516 through the canonical splice acceptor site of the intron before coding-DNA position 4516, 4 bases deleted (CTTA; older notation c.4516-5_4516-2delCTTA).
Molecular consequence: splice acceptor variant.
Genome position (GRCh38, 1-based): chr14:45,185,212-45,185,215, CTTA deleted; deleting any 4 consecutive bases within chr14:45,185,208-45,185,215 gives the same sequence; the c. name uses the placement nearest the transcript's 3' end. VCF-style (leftmost placement, unchanged base first): chr14-45185207-TCTTA-T. GRCh37 (hg19) VCF-style: chr14-45654410-TCTTA-T.
Other names: c.4516-5_4516-2delCTTA (NM_020937.2); c.4438-5_4438-2del (NM_001308133.2).
Identifiers: ClinVar variation 261387 (VCV000261387.24), dbSNP rs796584585, ClinGen allele CA7169781.

ClinVar aggregate classification (germline): Benign/Likely benign. Review status: criteria provided, multiple submitters, no conflicts (2 of 4 stars). 9 submissions from 8 submitters: Benign (8); Likely benign (1). Last evaluated 2026-02-04.

Conditions:
Fanconi anemia (FA). Also called: Fanconi's anemia. Identifiers: Orphanet 84, MedGen C0015625, MeSH D005199, MONDO:0019391.
Premature ovarian failure 15. Identifiers: MedGen C4748170, MONDO:0054862, OMIM 618096.
Spermatogenic failure 28. Identifiers: MedGen C4748117, MONDO:0054732, OMIM 618086.

Submissions (9):

Labcorp Genetics (formerly Invitae), Labcorp
Classification: Benign for Fanconi anemia. Last evaluated: 2026-02-04. Review status: criteria provided, single submitter. Criteria: Invitae Variant Classification Sherloc (09022015). Collection method: clinical testing. Allele origin: germline.

Mayo Clinic Laboratories, Mayo Clinic
Classification: Benign. Last evaluated: 2025-09-15. Review status: criteria provided, single submitter. Criteria: ACMG Guidelines, 2015. Collection method: clinical testing. Allele origin: germline. Observed: 10 variant alleles.
Comment: BA1

GeneKor MSA
Classification: Benign for Fanconi anemia. Last evaluated: 2025-07-10. Review status: criteria provided, single submitter. Criteria: ACMG Guidelines, 2015. Collection method: clinical testing. Allele origin: germline.

Blueprint Genetics
Classification: Likely benign. Last evaluated: 2024-11-27. Review status: criteria provided, single submitter. Criteria: ACMG Guidelines, 2015. Collection method: clinical testing. Allele origin: germline.

Genome-Nilou Lab
Classification: Benign for Premature ovarian failure 15. Last evaluated: 2021-08-10. Review status: criteria provided, single submitter. Criteria: ACMG Guidelines, 2015. Collection method: clinical testing. Allele origin: germline. Affected: no.

Genome-Nilou Lab
Classification: Benign for Spermatogenic failure 28. Last evaluated: 2021-08-10. Review status: criteria provided, single submitter. Criteria: ACMG Guidelines, 2015. Collection method: clinical testing. Allele origin: germline. Affected: no.

GeneDx
Classification: Benign. Last evaluated: 2019-03-08. Review status: criteria provided, single submitter. Criteria: GeneDx Variant Classification Process June 2021. Collection method: clinical testing. Allele origin: germline. Affected: yes.
Comment: This variant is associated with the following publications: (PMID: 33552906)

ARUP Laboratories, Molecular Genetics and Genomics, ARUP Laboratories
Classification: Benign. Last evaluated: 2016-12-05. Review status: criteria provided, single submitter. Criteria: ARUP Molecular Germline Variant Investigation Process. Collection method: clinical testing. Allele origin: germline.

PreventionGenetics, part of Exact Sciences
Classification: Benign. Review status: criteria provided, single submitter. Criteria: ACMG Guidelines, 2015. Collection method: clinical testing. Allele origin: germline.